The following is an entry in ClinVar:

NM_004595.5(SMS):c.857C>T (p.Pro286Leu)

Gene: SMS (spermine synthase; plus strand). Cytogenetic location: Xp22.11.
Variant type: single nucleotide variant.
Coding change: c.857C>T on transcript NM_004595.5 (MANE Select); coding-DNA position 857, C replaced by T.
Protein change: p.Pro286Leu; replaces proline 286 with leucine.
Molecular consequence: missense variant.
Genome position (GRCh38, 1-based): chrX:21,984,410, C>T. VCF-style: chrX-21984410-C-T. GRCh37 (hg19) VCF-style: chrX-22002528-C-T.
Other names: c.698C>T, p.Pro233Leu (NM_001258423.2); short protein forms P233L, P286L.
Identifiers: ClinVar variation 3776071 (VCV003776071.1).

ClinVar aggregate classification (germline): Uncertain significance (1 of 4 stars; one submission).

Conditions:
Intellectual developmental disorder, X-linked, syndromic, Snyder-Robinson type. Also called: X-linked mental retardation Snyder - Robinson type; SNYDER-ROBINSON MENTAL RETARDATION SYNDROME; Spermine synthase deficiency; Syndromic X-linked intellectual disability Snyder type. Identifiers: Orphanet 3063, MedGen C0796160, MONDO:0010664, OMIM 309583.

Submission:

3billion
Classification: Uncertain significance for Intellectual developmental disorder, X-linked, syndromic, Snyder-Robinson type. Last evaluated: 2023-09-19. Review status: criteria provided, single submitter. Criteria: ACMG Guidelines, 2015. Collection method: clinical testing. Allele origin: germline. Affected: yes.
Comment: The variant is not observed in the gnomAD v2.1.1 dataset. Predicted Consequence/Location: Missense changes are a common disease-causing mechanism. In silico tool predictions suggest damaging effect of the variant on gene or gene product [REVEL: 0.72 (>=0.6, sensitivity 0.68 and specificity 0.92)]. Therefore, this variant is classified as VUS according to the recommendation of ACMG/AMP guideline.